The following is an entry in ClinVar:

NM_000130.5(F5):c.2127G>A (p.Met709Ile)

Gene: F5 (coagulation factor V; minus strand). Cytogenetic location: 1q24.2.
Variant type: single nucleotide variant.
Coding change: c.2127G>A on transcript NM_000130.5 (MANE Select); coding-DNA position 2127, G replaced by A.
Protein change: p.Met709Ile; replaces methionine 709 with isoleucine.
Molecular consequence: missense variant.
Genome position (GRCh38, 1-based): chr1:169,542,963, C>T on the plus strand (G>A on the coding strand, the complement: F5 is on the minus strand). VCF-style: chr1-169542963-C-T. GRCh37 (hg19) VCF-style: chr1-169512201-C-T.
Other names: short protein forms M709I.
Identifiers: ClinVar variation 161460 (VCV000161460.2), dbSNP rs193920869, ClinGen allele CA174077.
Genomic context (GRCh38, chr1:169,542,963, plus strand): 5'-TCTGTTCTGGTAATCATAGTCAGCATCACTCTCTTCATCTTCAGGTTCTAAACGATCATG[C>T]ATTTTCCGTGTAGCCATGACTGTAGATTCTGGAGGTTCAAAAATCTCATATGAGTCTTCA-3'
Protein context (NP_000121.2, residues 699-719): PESTVMATRK[Met709Ile]HDRLEPEDEE

ClinVar aggregate classification (germline): Uncertain significance (0 of 4 stars; one submission).

Conditions:
Prostate cancer. Also called: Malignant tumor of prostate. Identifiers: Orphanet 1331, MedGen C0376358, MONDO:0008315, HP:0012125.

Submission:

Science for Life laboratory,  Karolinska Institutet
Classification: Uncertain significance for Malignant tumor of prostate. Review status: no assertion criteria provided. Collection method: not provided. Allele origin: somatic.
Comment: TumorID:SWE-16
ClinVar note: Converted during submission from Unknown to Uncertain significance.